The following is an entry in ClinVar:

NM_001009944.3(PKD1):c.5014delinsGG (p.Arg1672fs)

Gene: PKD1 (polycystin 1, transient receptor potential channel interacting; minus strand). Cytogenetic location: 16p13.3.
Variant type: Indel.
Coding change: c.5014delinsGG on transcript NM_001009944.3 (MANE Select); coding-DNA position 5014, A replaced by GG.
Protein change: p.Arg1672fs; shifts the reading frame from arginine 1672.
Molecular consequence: frameshift variant.
Genome position (GRCh38, 1-based): chr16:2,110,153, T replaced by CC on the plus strand (A replaced by GG on the coding strand, the reverse complement: PKD1 is on the minus strand). VCF-style: chr16-2110153-T-CC. GRCh37 (hg19) VCF-style: chr16-2160154-T-CC.
Other names: c.5014delinsGG, p.Arg1672fs (NM_000296.4); short protein forms R1672fs.
Identifiers: ClinVar variation 3579470 (VCV003579470.2).

ClinVar aggregate classification (germline): Pathogenic. Review status: criteria provided, multiple submitters, no conflicts (2 of 4 stars). 2 submissions from 2 submitters: Pathogenic (2). Last evaluated 2025-10-09.

Conditions:
PKD1-Biallelic Autosomal Recessive Polycystic Kidney Disease.
Polycystic kidney disease, adult type (PKD1). Also called: Polycystic Kidney Disease 1, Autosomal Dominant; Polycystic kidney disease 1; Polycystic kidney disease 1, severe; POLYCYSTIC KIDNEY DISEASE 1 WITH OR WITHOUT POLYCYSTIC LIVER DISEASE; POLYCYSTIC KIDNEY DISEASE, ADULT, TYPE I; Polycystic Kidney, Autosomal Dominant. Identifiers: MedGen C3149841, MONDO:0008263, OMIM 173900.

Submissions (2):

Women's Health and Genetics/Laboratory Corporation of America, LabCorp
Classification: Pathogenic for PKD1-Biallelic Autosomal Recessive Polycystic Kidney Disease. Last evaluated: 2025-10-09. Review status: criteria provided, single submitter. Criteria: LabCorp Variant Classification Summary - May 2015. Collection method: clinical testing. Allele origin: germline.
Comment: Variant summary: PKD1 c.5014delinsGG (p.Arg1672GlyfsX99) results in a premature termination codon, predicted to cause a truncation of the encoded protein or absence of the protein due to nonsense mediated decay, which are commonly known mechanisms for disease. The variant was absent in 244582 control chromosomes. To our knowledge, no occurrence of c.5014delinsGG in individuals affected with PKD1-related conditions and no experimental evidence demonstrating its impact on protein function have been reported. ClinVar contains an entry for this variant (Variation ID: 3579470). Based on the evidence outlined above, the variant was classified as pathogenic.

Fulgent Genetics
Classification: Pathogenic for Polycystic kidney disease, adult type. Last evaluated: 2024-05-29. Review status: criteria provided, single submitter. Criteria: ACMG Guidelines, 2015. Collection method: clinical testing. Allele origin: germline.